The following is an entry in ClinVar:

ClinVar aggregate classification (germline): Uncertain significance (1 of 4 stars; one submission).

gnomAD v4.1: 8 of 1,613,822 alleles (0.0005%); highest among the groups gnomAD compares: African/African-American, 0.0053%; no homozygotes.

Submission:

Labcorp Genetics (formerly Invitae), Labcorp
Classification: Uncertain significance. Last evaluated: 2025-08-21. Review status: criteria provided, single submitter. Criteria: Invitae Variant Classification Sherloc (09022015). Collection method: clinical testing. Allele origin: germline.
Comment: This sequence change replaces isoleucine, which is neutral and non-polar, with phenylalanine, which is neutral and non-polar, at codon 1639 of the ARID1A protein (p.Ile1639Phe). This variant is not present in population databases (gnomAD no frequency). This variant has not been reported in the literature in individuals affected with ARID1A-related conditions. ClinVar contains an entry for this variant (Variation ID: 1949223). Invitae Evidence Modeling of protein sequence and biophysical properties (such as structural, functional, and spatial information, amino acid conservation, physicochemical variation, residue mobility, and thermodynamic stability) has been performed for this missense variant. However, the output from this modeling did not meet the statistical confidence thresholds required to predict the impact of this variant on ARID1A protein function. In summary, the available evidence is currently insufficient to determine the role of this variant in disease. Therefore, it has been classified as a Variant of Uncertain Significance.

NM_006015.6(ARID1A):c.4915A>T (p.Ile1639Phe)

Gene: ARID1A (AT-rich interaction domain 1A; plus strand). Cytogenetic location: 1p36.11.
Variant type: single nucleotide variant.
Coding change: c.4915A>T on transcript NM_006015.6 (MANE Select); coding-DNA position 4915, A replaced by T.
Protein change: p.Ile1639Phe; replaces isoleucine 1639 with phenylalanine.
Molecular consequence: missense variant.
Genome position (GRCh38, 1-based): chr1:26,775,142, A>T. VCF-style: chr1-26775142-A-T. GRCh37 (hg19) VCF-style: chr1-27101633-A-T.
Other names: c.4264A>T, p.Ile1422Phe (NM_139135.4); short protein forms I1422F, I1639F.
Identifiers: ClinVar variation 1949223 (VCV001949223.5), dbSNP rs2081122655, ClinGen allele CA339179297.